The following is an entry in ClinVar:

ClinVar aggregate classification (germline): Conflicting classifications of pathogenicity. Review status: criteria provided, conflicting classifications (1 of 4 stars). 2 submissions from 2 submitters: Uncertain significance (1); Likely benign (1). Last evaluated 2026-01-26.

Conditions:
Long QT syndrome (LQTS). Identifiers: MedGen C0023976, MeSH D008133, MONDO:0002442. Disease mechanism: loss of function. Inheritance: Various modes of inheritance.
Cardiovascular phenotype. Identifiers: MedGen CN230736.

Allele frequency attached by ClinVar (database versions not stated): gnomAD 0.00001; TOPMed 0.00001; gnomAD exomes 0.00002.
gnomAD v4.1: 24 of 1,613,508 alleles (0.0015%); highest among the groups gnomAD compares: East Asian, 0.013%; no homozygotes.

Submissions (2):

Labcorp Genetics (formerly Invitae), Labcorp
Classification: Uncertain significance for Long QT syndrome. Last evaluated: 2026-01-26. Review status: criteria provided, single submitter. Criteria: Invitae Variant Classification Sherloc (09022015). Collection method: clinical testing. Allele origin: germline.
Comment: This sequence change replaces arginine, which is basic and polar, with histidine, which is basic and polar, at codon 1139 of the CACNA1C protein (p.Arg1139His). This variant is present in population databases (no rsID available, gnomAD 0.006%). This missense change has been observed in individual(s) with clinical features of CACNA1C-related conditions (PMID: 26637798). ClinVar contains an entry for this variant (Variation ID: 1476553). Invitae Evidence Modeling of protein sequence and biophysical properties (such as structural, functional, and spatial information, amino acid conservation, physicochemical variation, residue mobility, and thermodynamic stability) indicates that this missense variant is expected to disrupt CACNA1C protein function with a positive predictive value of 95%. In summary, the available evidence is currently insufficient to determine the role of this variant in disease. Therefore, it has been classified as a Variant of Uncertain Significance.

Ambry Genetics
Classification: Likely benign for Cardiovascular phenotype. Last evaluated: 2023-09-25. Review status: criteria provided, single submitter. Criteria: Ambry Variant Classification Scheme 2023. Collection method: clinical testing. Allele origin: germline.

Literature cited by the submitters: PubMed 26637798 (cited by Labcorp Genetics (formerly Invitae), Labcorp and Ambry Genetics); PubMed 35205252 (cited by Ambry Genetics).

NM_000719.7(CACNA1C):c.3416G>A (p.Arg1139His)

Gene: CACNA1C (calcium voltage-gated channel subunit alpha1 C; plus strand). Cytogenetic location: 12p13.33.
Variant type: single nucleotide variant.
Coding change: c.3416G>A on transcript NM_000719.7 (MANE Select); coding-DNA position 3416, G replaced by A.
Protein change: p.Arg1139His; replaces arginine 1139 with histidine.
Molecular consequence: missense variant.
Genome position (GRCh38, 1-based): chr12:2,608,570, G>A. VCF-style: chr12-2608570-G-A. GRCh37 (hg19) VCF-style: chr12-2717736-G-A.
Other names: c.3416G>A (NM_000719.6); c.3476G>A, p.Arg1159His (NM_001129827.2, NM_001129832.2, NM_199460.4); c.3416G>A, p.Arg1139His (NM_001129829.2, NM_001129830.3, NM_001129831.2 and 15 more transcripts); c.3407G>A, p.Arg1136His (NM_001129844.2); short protein forms R1139H, R1159H, R1136H.
Identifiers: ClinVar variation 1476553 (VCV001476553.9), dbSNP rs1373685560, ClinGen allele CA383375338.